The following is an entry in ClinVar:

ClinVar aggregate classification (germline): Uncertain significance (1 of 4 stars; one submission).

Allele frequency attached by ClinVar (database versions not stated): TOPMed below 0.00001; gnomAD 0.00001; ExAC 0.00002; 1000 Genomes Project 30x 0.00016; 1000 Genomes Project 0.00020.
gnomAD v4.1: 8 of 1,613,458 alleles (0.0005%); highest among the groups gnomAD compares: South Asian, 0.0088%; no homozygotes.

Submission:

Labcorp Genetics (formerly Invitae), Labcorp
Classification: Uncertain significance. Last evaluated: 2025-12-08. Review status: criteria provided, single submitter. Criteria: Invitae Variant Classification Sherloc (09022015). Collection method: clinical testing. Allele origin: germline.
Comment: This sequence change replaces alanine, which is neutral and non-polar, with threonine, which is neutral and polar, at codon 769 of the AP3D1 protein (p.Ala769Thr). This variant is present in population databases (rs557684269, gnomAD 0.01%). This variant has not been reported in the literature in individuals affected with AP3D1-related conditions. ClinVar contains an entry for this variant (Variation ID: 1925925). An algorithm developed to predict the effect of missense changes on protein structure and function outputs the following: PolyPhen-2: "Benign". The threonine amino acid residue is found in multiple mammalian species, which suggests that this missense change does not adversely affect protein function. In summary, the available evidence is currently insufficient to determine the role of this variant in disease. Therefore, it has been classified as a Variant of Uncertain Significance.

NM_001261826.3(AP3D1):c.2305G>A (p.Ala769Thr)

Gene: AP3D1 (adaptor related protein complex 3 subunit delta 1; minus strand). Cytogenetic location: 19p13.3.
Variant type: single nucleotide variant.
Coding change: c.2305G>A on transcript NM_001261826.3 (MANE Select); coding-DNA position 2305, G replaced by A.
Protein change: p.Ala769Thr; replaces alanine 769 with threonine.
Molecular consequence: missense variant.
Genome position (GRCh38, 1-based): chr19:2,115,263, C>T on the plus strand (G>A on the coding strand, the complement: AP3D1 is on the minus strand). VCF-style: chr19-2115263-C-T. GRCh37 (hg19) VCF-style: chr19-2115262-C-T.
Other names: c.2305G>A, p.Ala769Thr (NM_001374799.1, NM_003938.8); short protein forms A769T.
Identifiers: ClinVar variation 1925925 (VCV001925925.5), dbSNP rs557684269, ClinGen allele CA9058930.